The following is an entry in ClinVar:

ClinVar aggregate classification (germline): Uncertain significance (1 of 4 stars; one submission).

Conditions:
Microcephaly-intellectual disability-sensorineural hearing loss-epilepsy-abnormal muscle tone syndrome (NEDHSB). Also called: NEURODEVELOPMENTAL DISORDER WITH HEARING LOSS, SEIZURES, AND BRAIN ABNORMALITIES. Identifiers: Orphanet 457351, MedGen C4225276, MONDO:0014698, OMIM 616577.

Allele frequency attached by ClinVar (database versions not stated): gnomAD exomes below 0.00001; TOPMed below 0.00001.
gnomAD v4.1: 1 of 1,609,678 alleles (0.000062%); highest among the groups gnomAD compares: Admixed American, 0.0017%; no homozygotes.

Submission:

Labcorp Genetics (formerly Invitae), Labcorp
Classification: Uncertain significance for Microcephaly-intellectual disability-sensorineural hearing loss-epilepsy-abnormal muscle tone syndrome. Last evaluated: 2024-05-15. Review status: criteria provided, single submitter. Criteria: Invitae Variant Classification Sherloc (09022015). Collection method: clinical testing. Allele origin: germline.
Comment: This sequence change replaces glycine, which is neutral and non-polar, with arginine, which is basic and polar, at codon 464 of the SPATA5 protein (p.Gly464Arg). This variant is present in population databases (no rsID available, gnomAD 0.003%). This variant has not been reported in the literature in individuals affected with SPATA5-related conditions. ClinVar contains an entry for this variant (Variation ID: 1493453). Advanced modeling of protein sequence and biophysical properties (such as structural, functional, and spatial information, amino acid conservation, physicochemical variation, residue mobility, and thermodynamic stability) has been performed at Invitae for this missense variant, however the output from this modeling did not meet the statistical confidence thresholds required to predict the impact of this variant on SPATA5 protein function. In summary, the available evidence is currently insufficient to determine the role of this variant in disease. Therefore, it has been classified as a Variant of Uncertain Significance.

NM_145207.3(AFG2A):c.1390G>A (p.Gly464Arg)

Gene: AFG2A (AAA ATPase AFG2A; plus strand). Cytogenetic location: 4q28.1.
Variant type: single nucleotide variant.
Coding change: c.1390G>A on transcript NM_145207.3 (MANE Select); coding-DNA position 1390, G replaced by A.
Protein change: p.Gly464Arg; replaces glycine 464 with arginine.
Molecular consequence: missense variant.
Genome position (GRCh38, 1-based): chr4:122,938,181, G>A. VCF-style: chr4-122938181-G-A. GRCh37 (hg19) VCF-style: chr4-123859336-G-A.
Other names: c.1387G>A, p.Gly463Arg (NM_001317799.2, NM_001345856.2); short protein forms G464R, G463R.
Identifiers: ClinVar variation 1493453 (VCV001493453.5), dbSNP rs1318210993, ClinGen allele CA358106174.